The following is an entry in ClinVar:

NM_016580.4(PCDH12):c.194C>T (p.Ala65Val)

Genes: PCDH12 (protocadherin 12; minus strand), RNF14 (ring finger protein 14; plus strand). Cytogenetic location: 5q31.3.
Variant type: single nucleotide variant.
Coding change: c.194C>T on transcript NM_016580.4 (MANE Select); coding-DNA position 194, C replaced by T.
Protein change: p.Ala65Val; replaces alanine 65 with valine.
Molecular consequence: missense variant.
Genome position (GRCh38, 1-based): chr5:141,957,658, G>A on the plus strand (C>T on the coding strand, the complement: PCDH12 is on the minus strand). VCF-style: chr5-141957658-G-A. GRCh37 (hg19) VCF-style: chr5-141337223-G-A.
Other names: p.Ala65Val; short protein forms A65V.
Identifiers: ClinVar variation 4541073 (VCV004541073.1).

ClinVar aggregate classification (germline): Uncertain significance (1 of 4 stars; one submission).

Submission:

Mayo Clinic Laboratories, Mayo Clinic
Classification: Uncertain significance. Last evaluated: 2025-09-14. Review status: criteria provided, single submitter. Criteria: ACMG Guidelines, 2015. Collection method: clinical testing. Allele origin: germline. Observed: 1 variant allele.
Comment: BP4_moderate, PM2_supporting